The following is an entry in ClinVar:

ClinVar aggregate classification (germline): Uncertain significance (1 of 4 stars; one submission).

Allele frequency attached by ClinVar (database versions not stated): gnomAD exomes below 0.00001; TOPMed below 0.00001.
gnomAD v4.1: 1 of 1,613,940 alleles (0.000062%); highest among the groups gnomAD compares: Non-Finnish European, 0.000085%; no homozygotes.

Submission:

Ambry Genetics
Classification: Uncertain significance. Last evaluated: 2023-02-27. Review status: criteria provided, single submitter. Criteria: Ambry Variant Classification Scheme 2023. Collection method: clinical testing. Allele origin: germline.
Comment: The p.N3664D variant (also known as c.10990A>G), located in coding exon 77 of the PRKDC gene, results from an A to G substitution at nucleotide position 10990. The asparagine at codon 3664 is replaced by aspartic acid, an amino acid with highly similar properties. This amino acid position is conserved. In addition, this alteration is predicted to be tolerated by in silico analysis. Since supporting evidence is limited at this time, the clinical significance of this alteration remains unclear.

NM_006904.7(PRKDC):c.10990A>G (p.Asn3664Asp)

Gene: PRKDC (protein kinase, DNA-activated, catalytic subunit; minus strand). Cytogenetic location: 8q11.21.
Variant type: single nucleotide variant.
Coding change: c.10990A>G on transcript NM_006904.7 (MANE Select); coding-DNA position 10990, A replaced by G.
Protein change: p.Asn3664Asp; replaces asparagine 3664 with aspartic acid.
Molecular consequence: missense variant.
Genome position (GRCh38, 1-based): chr8:47,785,230, T>C on the plus strand (A>G on the coding strand, the complement: PRKDC is on the minus strand). VCF-style: chr8-47785230-T-C. GRCh37 (hg19) VCF-style: chr8-48697791-T-C.
Other names: c.10990A>G, p.Asn3664Asp (NM_001081640.2); short protein forms N3664D.
Identifiers: ClinVar variation 2449899 (VCV002449899.2), dbSNP rs1196038167, ClinGen allele CA371131248.
Genomic context (GRCh38, chr8:47,785,230, plus strand): 5'-AACATTCTTTCAGATTCCCAGGGGGCTTTGAGTCTTTGTTCATTTTTAAAAGTAGCATGT[T>C]GGTAATGTCGTTGAAGTCACTGAGCTTCATTCTCAGTAGTTTAGAACCTCCTTTCCCAAA-3'
Protein context (NP_008835.5, residues 3654-3674): MKLSDFNDIT[Asn3664Asp]MLLLKMNKDS